The following is an entry in ClinVar:

ClinVar aggregate classification (germline): Pathogenic/Likely pathogenic. Review status: criteria provided, multiple submitters, no conflicts (2 of 4 stars). 13 submissions from 13 submitters: Pathogenic (10); Likely pathogenic (2). 1 of the submissions does not count toward it. Last evaluated 2025-09-27.

Conditions:
Hereditary cancer-predisposing syndrome. Also called: Neoplastic Syndromes, Hereditary; Hereditary neoplastic syndrome; Tumor predisposition; Hereditary Cancer Syndrome. Identifiers: Orphanet 140162, MedGen C0027672, MeSH D009386, MONDO:0015356.
Familial cancer of breast. Also called: hereditary breast carcinoma; Hereditary breast cancer; BREAST CANCER, FAMILIAL. Identifiers: Orphanet 227535, MedGen C0346153, MONDO:0016419, OMIM 114480. Disease mechanism: loss of function.
Ataxia-telangiectasia syndrome (AT). Also called: Ataxia telangiectasia (A-T); Cerebello-oculocutaneous telangiectasia; Immunodeficiency with ataxia telangiectasia; LOUIS-BAR SYNDROME; AT, COMPLEMENTATION GROUP C; ATAXIA-TELANGIECTASIA, FRESNO VARIANT. Identifiers: Orphanet 100, MedGen C0004135, MONDO:0008840, OMIM 208900.
Breast-ovarian cancer, familial, susceptibility to, 1 (BROVCA1). Also called: OVARIAN CANCER, SUSCEPTIBILITY TO; BRCA1 Hereditary Breast and Ovarian Cancer. Identifiers: Orphanet 145, MedGen C2676676, MONDO:0011450, OMIM 604370. Disease mechanism: loss of function.

Allele frequency attached by ClinVar (database versions not stated): gnomAD exomes below 0.00001; gnomAD 0.00001; TOPMed 0.00001.
gnomAD v4.1: 1 of 1,613,770 alleles (0.000062%); highest among the groups gnomAD compares: Non-Finnish European, 0.000085%; no homozygotes.

Submissions (13):

Labcorp Genetics (formerly Invitae), Labcorp
Classification: Pathogenic for Ataxia-telangiectasia syndrome. Last evaluated: 2025-09-27. Review status: criteria provided, single submitter. Criteria: Invitae Variant Classification Sherloc (09022015). Collection method: clinical testing. Allele origin: germline.
Comment: This sequence change creates a premature translational stop signal (p.Leu2850*) in the ATM gene. It is expected to result in an absent or disrupted protein product. Loss-of-function variants in ATM are known to be pathogenic (PMID: 23807571, 25614872). This variant is present in population databases (no rsID available, gnomAD 0.0009%). This premature translational stop signal has been observed in individual(s) with colorectal cancer and adenomatous polyps (PMID: 30267214). ClinVar contains an entry for this variant (Variation ID: 230697). For these reasons, this variant has been classified as Pathogenic.

Ambry Genetics
Classification: Pathogenic for Hereditary cancer-predisposing syndrome. Last evaluated: 2025-06-12. Review status: criteria provided, single submitter. Criteria: Ambry Variant Classification Scheme 2023. Collection method: clinical testing. Allele origin: germline.
Comment: The p.L2850* pathogenic mutation (also known as c.8549T>A), located in coding exon 57 of the ATM gene, results from a T to A substitution at nucleotide position 8549. This changes the amino acid from a leucine to a stop codon within coding exon 57. This alteration is expected to result in loss of function by premature protein truncation or nonsense-mediated mRNA decay. As such, this alteration is interpreted as a disease-causing mutation.

ARUP Laboratories, Molecular Genetics and Genomics, ARUP Laboratories
Classification: Pathogenic. Last evaluated: 2024-10-09. Review status: criteria provided, single submitter. Criteria: ARUP Molecular Germline Variant Investigation Process 2024. Collection method: clinical testing. Allele origin: germline.
Comment: The ATM c.8549T>A; p.Leu2850Ter variant (rs876658716, ClinVar Variation ID 230697) is reported in individuals affected with breast or colorectal or pancreatic cancer (Hauke 2018, Rosenthal 2018, Yu 2022). This variant is only observed on one allele in the Genome Aggregation Database (v2.1.1), indicating it is not a common polymorphism. This variant induces an early termination codon and is predicted to result in a truncated protein or mRNA subject to nonsense-mediated decay. Based on available information, this variant is considered to be pathogenic. References: Hauke J et al. Gene panel testing of 5589 BRCA1/2-negative index patients with breast cancer in a routine diagnostic setting: results of the German Consortium for Hereditary Breast and Ovarian Cancer. Cancer Med. 2018 Apr. PMID: 29522266. Rosenthal EA et al. Rare loss of function variants in candidate genes and risk of colorectal cancer. Hum Genet. 2018 Oct. PMID: 30267214. Yu Y et al. A whole-exome case-control association study to characterize the contribution of rare coding variation to pancreatic cancer risk. HGG Adv. 2022 Jan 13. PMID: 35047863.

Natera, Inc.
Classification: Likely pathogenic for Ataxia-telangiectasia. Last evaluated: 2024-08-07. Review status: criteria provided, single submitter. Criteria: Natera Variant Classification Schema (03/2026). Collection method: clinical testing. Allele origin: germline.
Comment: The c.8549T>A variant in ATM is a nonsense variant predicted to introduce a stop codon at amino acid 2850. This variant is expected to result in nonsense mediated decay, truncation, or a dysfunctional protein product. This variant is rare in the general population with a frequency below the threshold expected for the associated phenotype(s). Given the available evidence, this variant is classified as Likely Pathogenic.

CeGaT Center for Human Genetics Tuebingen
Classification: Pathogenic. Last evaluated: 2024-08-01. Review status: criteria provided, single submitter. Criteria: CeGaT Center For Human Genetics Tuebingen Variant Classification Criteria Version 2. Collection method: clinical testing. Allele origin: germline. Affected: yes. Observed: 5 variant alleles.
Comment: ATM: PVS1, PM2, PS4:Moderate

Institute of Immunology and Genetics Kaiserslautern
Classification: Pathogenic for Breast-ovarian cancer, familial, susceptibility to, 1. Last evaluated: 2024-07-31. Review status: criteria provided, single submitter. Criteria: ACMG Guidelines, 2015. Collection method: clinical testing. Allele origin: germline. Affected: yes.
Comment: ACMG Criteria: PVS1, PM2, PP5; Variant was found in heterozygous state

Myriad Genetics, Inc.
Classification: Pathogenic for Familial cancer of breast. Last evaluated: 2024-02-02. Review status: criteria provided, single submitter. Criteria: Myriad Autosomal Dominant, Autosomal Recessive and X-Linked Classification Criteria (2023). Collection method: clinical testing. Allele origin: unknown.
Comment: This variant is considered pathogenic. This variant creates a termination codon and is predicted to result in premature protein truncation.

Color Diagnostics, LLC DBA Color Health
Classification: Pathogenic for Hereditary cancer-predisposing syndrome. Last evaluated: 2023-10-10. Review status: criteria provided, single submitter. Criteria: ACMG Guidelines, 2015. Collection method: clinical testing. Allele origin: germline.
Comment: This variant changes 1 nucleotide in exon 58 of the ATM gene, creating a premature translation stop signal. This variant is expected to result in an absent or non-functional protein product. To our knowledge, this variant has not been reported in individuals affected with ATM-related disorders in the literature. This variant has been identified in 1/251136 chromosomes in the general population by the Genome Aggregation Database (gnomAD). Loss of ATM function is a known mechanism of disease. Based on the available evidence, this variant is classified as Pathogenic.

Baylor Genetics
Classification: Pathogenic for Familial cancer of breast. Last evaluated: 2023-02-08. Review status: criteria provided, single submitter. Criteria: ACMG Guidelines, 2015. Collection method: clinical testing. Allele origin: unknown.

GeneDx
Classification: Pathogenic. Last evaluated: 2020-03-05. Review status: criteria provided, single submitter. Criteria: GeneDx Variant Classification Process June 2021. Collection method: clinical testing. Allele origin: germline. Affected: yes.
Comment: Nonsense variant predicted to result in protein truncation or nonsense mediated decay in a gene for which loss-of-function is a known mechanism of disease; Not observed at a significant frequency in large population cohorts (Lek 2016); Observed in an individual with colon polyps (Rosenthal 2018); This variant is associated with the following publications: (PMID: 30267214)

Women's Health and Genetics/Laboratory Corporation of America, LabCorp
Classification: Likely pathogenic for Ataxia-telangiectasia syndrome. Last evaluated: 2018-02-09. Review status: criteria provided, single submitter. Criteria: LabCorp Variant Classification Summary - May 2015. Collection method: clinical testing. Allele origin: germline.
Comment: Variant summary: ATM c.8549T>A (p.Leu2850X) results in a premature termination codon, predicted to cause a truncation of the encoded protein or absence of the protein due to nonsense mediated decay, which are commonly known mechanisms for disease. A truncation downstream of this position, c.8977C>T (p.Arg2993X) have been classified as pathogenic by our laboratory. To our knowledge, no occurrence of c.8549T>A in individuals affected with Ataxia-Telangiectasia and no experimental evidence demonstrating its impact on protein function have been reported. Multiple clinical diagnostic laboratories via ClinVar (evaluation after 2014) classified the variant as "pathogenic." Based on the evidence outlined above, the variant was classified as likely pathogenic.

Institute for Genomic Statistics and Bioinformatics, University Hospital Bonn
Classification: Pathogenic for Ataxia-telangiectasia syndrome. Review status: criteria provided, single submitter. Criteria: ACMG Guidelines, 2015. Collection method: clinical testing. Allele origin: germline. Inheritance: Autosomal recessive inheritance. Affected: yes. Observed: 1 compound heterozygote.
Comment: In addition, the heterozygous nonsense variant c.8549T>A; The variant replaces the codon for the amino acid leucine (TTG) with a premature stop codon (TAG). In the population-related database gnomAD it is once recorded in heterozygous form among the European population (allele frequency: 0.0003982%), in the other population-related databases it is not listed. In the phenotype-related database HGMD it is once identified as possibly pathogenic, in ClinVar it is assessed four times as pathogenic and once as likely pathogenic, in LOVD it is not listed. The ACMG classification for this variant is: pathogenic (Class 5: PVS1, PM2, PM3, PP5).

Zotz-Klimas Genetics Lab, MVZ Zotz Klimas
Classification: Pathogenic for Ataxia-telangiectasia syndrome. Last evaluated: 2023-10-30. Review status: no assertion criteria provided. Collection method: clinical testing. Allele origin: germline. Affected: yes. Not counted in ClinVar's aggregate classification.

Literature cited by the submitters: PubMed 23807571 (cited by Labcorp Genetics (formerly Invitae), Labcorp); PubMed 25614872 (cited by Labcorp Genetics (formerly Invitae), Labcorp); PubMed 30267214 (cited by Labcorp Genetics (formerly Invitae), Labcorp).

NM_000051.4(ATM):c.8549T>A (p.Leu2850Ter)

Genes: ATM (ATM serine/threonine kinase; plus strand), C11orf65 (chromosome 11 open reading frame 65; minus strand). Cytogenetic location: 11q22.3.
Variant type: single nucleotide variant.
Coding change: c.8549T>A on transcript NM_000051.4 (MANE Select); coding-DNA position 8549, T replaced by A.
Protein change: p.Leu2850Ter; replaces leucine 2850 with a stop codon.
Molecular consequence: nonsense. On other transcripts: intron variant (2).
Genome position (GRCh38, 1-based): chr11:108,345,873, T>A. VCF-style: chr11-108345873-T-A. GRCh37 (hg19) VCF-style: chr11-108216600-T-A.
Other names: c.8549T>A, p.Leu2850Ter (NM_001351834.2); c.641-36802A>T (NM_001330368.2); c.695-10581A>T (NM_001351110.2); short protein forms L2850*.
Identifiers: ClinVar variation 230697 (VCV000230697.60), dbSNP rs876658716, ClinGen allele CA10579304.